The following is an entry in ClinVar:

NM_000371.4(TTR):c.69+4_69+7del

Gene: TTR (transthyretin; plus strand). Cytogenetic location: 18q12.1.
Variant type: Deletion.
Coding change: c.69+4_69+7del on transcript NM_000371.4 (MANE Select); bases 4 to 7 of the intron after coding-DNA position 69, 4 bases deleted (AGTG; older notation c.69+4_69+7delAGTG).
Molecular consequence: splice donor variant.
Genome position (GRCh38, 1-based): chr18:31,591,975-31,591,978, AGTG deleted; deleting any 4 consecutive bases within chr18:31,591,972-31,591,978 gives the same sequence; the c. name uses the placement nearest the transcript's 3' end. VCF-style (leftmost placement, unchanged base first): chr18-31591971-GGTGA-G. GRCh37 (hg19) VCF-style: chr18-29171934-GGTGA-G.
Identifiers: ClinVar variation 2891340 (VCV002891340.3), dbSNP rs2510932019, ClinGen allele CA2739265769.

ClinVar aggregate classification (germline): Uncertain significance (1 of 4 stars; one submission).

Conditions:
Amyloidosis, hereditary systemic 1 (AMYLD1). Also called: Familial amyloid polyneuropathy; Transthyretin Amyloidosis; Hereditary Transthyretin Amyloidosis; Hereditary oculoleptomeningeal amyloid angiopathy; Familial Transthyretin Amyloidosis; AMYLOID CARDIOMYOPATHY. Identifiers: Orphanet 85447, Orphanet 85451, MedGen C2751492, MONDO:0971004, OMIM 105210.

Submission:

Labcorp Genetics (formerly Invitae), Labcorp
Classification: Uncertain significance for Amyloidosis, hereditary systemic 1. Last evaluated: 2024-01-06. Review status: criteria provided, single submitter. Criteria: Invitae Variant Classification Sherloc (09022015). Collection method: clinical testing. Allele origin: germline.
Comment: This sequence change falls in intron 1 of the TTR gene. It does not directly change the encoded amino acid sequence of the TTR protein. It affects a nucleotide within the consensus splice site. This variant is not present in population databases (gnomAD no frequency). This variant has not been reported in the literature in individuals affected with TTR-related conditions. Variants that disrupt the consensus splice site are a relatively common cause of aberrant splicing (PMID: 17576681, 9536098). Algorithms developed to predict the effect of sequence changes on RNA splicing suggest that this variant may disrupt the consensus splice site. In summary, the available evidence is currently insufficient to determine the role of this variant in disease. Therefore, it has been classified as a Variant of Uncertain Significance.

Literature cited by the submitters: PubMed 17576681; PubMed 9536098.